The following is an entry in ClinVar:

NM_003803.4(MYOM1):c.4712G>A (p.Arg1571His)

Gene: MYOM1 (myomesin 1; minus strand). Cytogenetic location: 18p11.31.
Variant type: single nucleotide variant.
Coding change: c.4712G>A on transcript NM_003803.4 (MANE Select); coding-DNA position 4712, G replaced by A.
Protein change: p.Arg1571His; replaces arginine 1571 with histidine.
Molecular consequence: missense variant.
Genome position (GRCh38, 1-based): chr18:3,071,886, C>T on the plus strand (G>A on the coding strand, the complement: MYOM1 is on the minus strand). VCF-style: chr18-3071886-C-T. GRCh37 (hg19) VCF-style: chr18-3071884-C-T.
Other names: c.4424G>A, p.Arg1475His (NM_019856.2); short protein forms R1475H, R1571H.
Identifiers: ClinVar variation 3223570 (VCV003223570.4), dbSNP rs369967493, ClinGen allele CA8873793.

ClinVar aggregate classification (germline): Uncertain significance. Review status: criteria provided, multiple submitters, no conflicts (2 of 4 stars). 2 submissions from 2 submitters: Uncertain significance (2). Last evaluated 2025-12-01.

Conditions:
Hypertrophic cardiomyopathy. Also called: HYPERTROPHIC MYOCARDIOPATHY. Identifiers: Orphanet 217569, MedGen C0007194, MeSH D002312, MONDO:0005045, HP:0001639.

Allele frequency attached by ClinVar (database versions not stated): TOPMed 0.00002; gnomAD 0.00003; ESP Exome Variant Server 0.00016.
gnomAD v4.1: 14 of 1,604,114 alleles (0.00087%); highest among the groups gnomAD compares: Admixed American, 0.0051%; no homozygotes.

Submissions (2):

Labcorp Genetics (formerly Invitae), Labcorp
Classification: Uncertain significance for Hypertrophic cardiomyopathy. Last evaluated: 2025-12-01. Review status: criteria provided, single submitter. Criteria: Invitae Variant Classification Sherloc (09022015). Collection method: clinical testing. Allele origin: germline.
Comment: This sequence change replaces arginine, which is basic and polar, with histidine, which is basic and polar, at codon 1571 of the MYOM1 protein (p.Arg1571His). The frequency data for this variant in the population databases is considered unreliable, as metrics indicate poor data quality at this position in the gnomAD database. This variant has not been reported in the literature in individuals affected with MYOM1-related conditions. ClinVar contains an entry for this variant (Variation ID: 3223570). Invitae Evidence Modeling of protein sequence and biophysical properties (such as structural, functional, and spatial information, amino acid conservation, physicochemical variation, residue mobility, and thermodynamic stability) indicates that this missense variant is expected to disrupt MYOM1 protein function with a positive predictive value of 80%. In summary, the available evidence is currently insufficient to determine the role of this variant in disease. Therefore, it has been classified as a Variant of Uncertain Significance.

Ambry Genetics
Classification: Uncertain significance. Last evaluated: 2024-09-04. Review status: criteria provided, single submitter. Criteria: Ambry Variant Classification Scheme 2023. Collection method: clinical testing. Allele origin: germline.